The following is an entry in ClinVar:

NM_003482.4(KMT2D):c.140G>A (p.Gly47Glu)

Gene: KMT2D (lysine methyltransferase 2D; minus strand). Cytogenetic location: 12q13.12.
Variant type: single nucleotide variant.
Coding change: c.140G>A on transcript NM_003482.4 (MANE Select); coding-DNA position 140, G replaced by A.
Protein change: p.Gly47Glu; replaces glycine 47 with glutamic acid.
Molecular consequence: missense variant.
Genome position (GRCh38, 1-based): chr12:49,054,936, C>T on the plus strand (G>A on the coding strand, the complement: KMT2D is on the minus strand). VCF-style: chr12-49054936-C-T. GRCh37 (hg19) VCF-style: chr12-49448719-C-T.
Other names: short protein forms G47E.
Identifiers: ClinVar variation 3116045 (VCV003116045.2), dbSNP rs1453779890, ClinGen allele CA384690115.

ClinVar aggregate classification (germline): Uncertain significance. Review status: criteria provided, multiple submitters, no conflicts (2 of 4 stars). 2 submissions from 2 submitters: Uncertain significance (2). Last evaluated 2026-07-05.

Conditions:
KMT2D-related disorder. Also called: KMT2D-Related Disorders.
Inborn genetic diseases. Identifiers: MedGen C0950123, MeSH D030342.

Allele frequency attached by ClinVar (database versions not stated): TOPMed below 0.00001.

Submissions (2):

PreventionGenetics, part of Exact Sciences
Classification: Uncertain significance for KMT2D-related condition. Last evaluated: 2026-07-05. Review status: criteria provided, single submitter. Criteria: ACMG Guidelines, 2015. Collection method: clinical testing. Allele origin: germline.
Comment: The KMT2D c.140G>A variant is predicted to result in the amino acid substitution p.Gly47Glu. To our knowledge, this variant has not been reported in the literature or in a large population database (gnomAD), indicating this variant is rare. At this time, the clinical significance of this variant is uncertain due to the absence of conclusive functional and genetic evidence.

Ambry Genetics
Classification: Uncertain significance for Inborn genetic diseases. Last evaluated: 2023-11-27. Review status: criteria provided, single submitter. Criteria: Ambry Variant Classification Scheme 2023. Collection method: clinical testing. Allele origin: germline.